The following is an entry in ClinVar:

ClinVar aggregate classification (germline): Benign. Review status: criteria provided, single submitter (1 of 4 stars). 2 submissions from 2 submitters: Benign (1). 1 of the submissions does not count toward it. Last evaluated 2025-12-17.

Conditions:
HERC1-related disorder. Also called: HERC1-related condition.

Allele frequency attached by ClinVar (database versions not stated): gnomAD 0.00039 and 0.00062; gnomAD exomes 0.00047 and 0.00136; TOPMed 0.00068; ExAC 0.00138; 1000 Genomes Project 0.00419; 1000 Genomes Project 30x 0.00437.
gnomAD v4.1: 791 of 1,613,930 alleles (0.049%); highest among the groups gnomAD compares: East Asian, 1.5%; 6 homozygotes.

Submissions (2):

Labcorp Genetics (formerly Invitae), Labcorp
Classification: Benign. Last evaluated: 2025-12-17. Review status: criteria provided, single submitter. Criteria: Invitae Variant Classification Sherloc (09022015). Collection method: clinical testing. Allele origin: germline.

PreventionGenetics, part of Exact Sciences
Classification: Benign for HERC1-related condition. Last evaluated: 2019-08-29. Review status: no assertion criteria provided. Collection method: clinical testing. Allele origin: germline. Not counted in ClinVar's aggregate classification.
Comment: This variant is classified as benign based on ACMG/AMP sequence variant interpretation guidelines (Richards et al. 2015 PMID: 25741868, with internal and published modifications).

NM_003922.4(HERC1):c.9501T>G (p.Pro3167=)

Gene: HERC1 (HECT and RLD domain containing E3 ubiquitin protein ligase family member 1; minus strand). Cytogenetic location: 15q22.31.
Variant type: single nucleotide variant.
Coding change: c.9501T>G on transcript NM_003922.4 (MANE Select); coding-DNA position 9501, T replaced by G.
Protein change: p.Pro3167=; no amino-acid change (proline 3167 retained).
Molecular consequence: synonymous variant.
Genome position (GRCh38, 1-based): chr15:63,658,642, A>C on the plus strand (T>G on the coding strand, the complement: HERC1 is on the minus strand). VCF-style: chr15-63658642-A-C. GRCh37 (hg19) VCF-style: chr15-63950841-A-C.
Identifiers: ClinVar variation 731247 (VCV000731247.11), dbSNP rs144537688, ClinGen allele CA7604698.